The following is an entry in ClinVar:

ClinVar aggregate classification (germline): Pathogenic. Review status: criteria provided, multiple submitters, no conflicts (2 of 4 stars). 3 submissions from 3 submitters: Pathogenic (3). Last evaluated 2023-08-30.

Submissions (3):

Labcorp Genetics (formerly Invitae), Labcorp
Classification: Pathogenic. Last evaluated: 2023-08-30. Review status: criteria provided, single submitter. Criteria: Invitae Variant Classification Sherloc (09022015). Collection method: clinical testing. Allele origin: germline.
Comment: This sequence change replaces cysteine, which is neutral and slightly polar, with tyrosine, which is neutral and polar, at codon 315 of the UMOD protein (p.Cys315Tyr). This variant is not present in population databases (gnomAD no frequency). This missense change has been observed in individuals with UMOD-related conditions (PMID: 21868615, 32450155). It has also been observed to segregate with disease in related individuals. ClinVar contains an entry for this variant (Variation ID: 94133). Advanced modeling of protein sequence and biophysical properties (such as structural, functional, and spatial information, amino acid conservation, physicochemical variation, residue mobility, and thermodynamic stability) has been performed at Invitae for this missense variant, however the output from this modeling did not meet the statistical confidence thresholds required to predict the impact of this variant on UMOD protein function. For these reasons, this variant has been classified as Pathogenic.

Athena Diagnostics
Classification: Pathogenic. Last evaluated: 2021-04-12. Review status: criteria provided, single submitter. Criteria: Athena Diagnostics criteria. Collection method: clinical testing. Allele origin: unknown.
Comment: This variant has not been reported in large, multi-ethnic general populations. This variant has been identified in at least one individual with clinical features associated with this gene. This variant alters a critical location within the protein, and is expected to severely affect function and cause disease.

Eurofins Ntd Llc (ga)
Classification: Pathogenic. Last evaluated: 2013-06-10. Review status: criteria provided, single submitter. Criteria: EGL Classification Definitions 2015. Collection method: clinical testing. Allele origin: germline. Observed: 1 variant allele, 1 heterozygote.

Literature cited by the submitters: PubMed 21868615 (cited by Labcorp Genetics (formerly Invitae), Labcorp and Athena Diagnostics); PubMed 32450155 (cited by Labcorp Genetics (formerly Invitae), Labcorp).

NM_003361.4(UMOD):c.944G>A (p.Cys315Tyr)

Gene: UMOD (uromodulin; minus strand). Cytogenetic location: 16p12.3.
Variant type: single nucleotide variant.
Coding change: c.944G>A on transcript NM_003361.4 (MANE Select); coding-DNA position 944, G replaced by A.
Protein change: p.Cys315Tyr; replaces cysteine 315 with tyrosine.
Molecular consequence: missense variant. On other transcripts: non-coding transcript variant (1).
Genome position (GRCh38, 1-based): chr16:20,348,252, C>T on the plus strand (G>A on the coding strand, the complement: UMOD is on the minus strand). VCF-style: chr16-20348252-C-T. GRCh37 (hg19) VCF-style: chr16-20359574-C-T.
Other names: c.944G>A, p.Cys315Tyr (NM_001008389.3, NM_001378232.1, NM_001378233.1 and 3 more transcripts); c.1043G>A, p.Cys348Tyr (NM_001278614.2); short protein forms C315Y, C348Y.
Identifiers: ClinVar variation 94133 (VCV000094133.10), dbSNP rs398123698, ClinGen allele CA221978.